The following is an entry in ClinVar:

NM_000093.5(COL5A1):c.757C>T (p.Gln253Ter)

Gene: COL5A1 (collagen type V alpha 1 chain; plus strand). Cytogenetic location: 9q34.3.
Variant type: single nucleotide variant.
Coding change: c.757C>T on transcript NM_000093.5 (MANE Select); coding-DNA position 757, C replaced by T.
Protein change: p.Gln253Ter; replaces glutamine 253 with a stop codon.
Molecular consequence: nonsense.
Genome position (GRCh38, 1-based): chr9:134,727,368, C>T. VCF-style: chr9-134727368-C-T. GRCh37 (hg19) VCF-style: chr9-137619214-C-T.
Other names: c.757C>T, p.Gln253Ter (NM_001278074.1); short protein forms Q253*.
Identifiers: ClinVar variation 3340331 (VCV003340331.1).

ClinVar aggregate classification (germline): Pathogenic (1 of 4 stars; one submission).

Submission:

GeneDx
Classification: Pathogenic. Last evaluated: 2024-01-12. Review status: criteria provided, single submitter. Criteria: GeneDx Variant Classification Process June 2021. Collection method: clinical testing. Allele origin: germline. Affected: yes.
Comment: Not observed at significant frequency in large population cohorts (gnomAD); Nonsense variant predicted to result in protein truncation or nonsense mediated decay in a gene for which loss of function is a known mechanism of disease; This variant is associated with the following publications: (PMID: 32467296, 27011056, 33189937)